The following is an entry in ClinVar:

ClinVar aggregate classification (germline): Pathogenic. Review status: criteria provided, multiple submitters, no conflicts (2 of 4 stars). 2 submissions from 2 submitters: Pathogenic (2). Last evaluated 2023-11-16.

Conditions:
Hereditary cancer-predisposing syndrome. Also called: Neoplastic Syndromes, Hereditary; Hereditary Cancer Syndrome; Hereditary neoplastic syndrome; Tumor predisposition. Identifiers: Orphanet 140162, MedGen C0027672, MeSH D009386, MONDO:0015356.
Breast-ovarian cancer, familial, susceptibility to, 2 (BROVCA2). Also called: BRCA2 Hereditary Breast and Ovarian Cancer. Identifiers: Orphanet 145, MedGen C2675520, MONDO:0012933, OMIM 612555. Disease mechanism: loss of function.

Submissions (2):

All of Us Research Program, National Institutes of Health
Classification: Pathogenic for Breast-ovarian cancer, familial, susceptibility to, 2. Last evaluated: 2023-11-16. Review status: criteria provided, single submitter. Criteria: ACMG Guidelines, 2015. Collection method: clinical testing. Allele origin: germline. Inheritance: Autosomal dominant inheritance. Observed: 1 variant allele, 1 heterozygote.
Comment: The c.3415_3420delinsG (p.Lys1139Aspfs*3) variant in the BRCA2 gene is located on the exon 11 and is predicted to cause reading frame shift that introduces a premature translation termination codon (p.Lys1139Aspfs*3), resulting in an absent or disrupted protein product. Loss-of-function variants of BRCA2 are known to be pathogenic (PMID: 8988179, 11897832, 29446198). The variant is reported in ClinVar (ID: 823745). The variant is absent in the general population database (gnomAD). Therefore, the c.3415_3420delinsG (p.Lys1139Aspfs*3) variant of BRCA2 has been classified as pathogenic.

This study involves interpretation of variants in research participants for the purpose of population health screening. Participant phenotype was not available at the time of variant classification. Additional details can be found in publication PMID: 35346344, PMCID: PMC8962531

Ambry Genetics
Classification: Pathogenic for Hereditary cancer-predisposing syndrome. Last evaluated: 2018-09-24. Review status: criteria provided, single submitter. Criteria: Ambry Variant Classification Scheme 2023. Collection method: clinical testing. Allele origin: germline.
Comment: The c.3415_3420delAAGAGTinsG pathogenic mutation, located in coding exon 10 of the BRCA2 gene, results from the deletion of 6 nucleotides and insertion of one nucleotide causing a translational frameshift with a predicted alternate stop codon (p.K1139Dfs*3). This alteration is expected to result in loss of function by premature protein truncation or nonsense-mediated mRNA decay. As such, this alteration is interpreted as a disease-causing mutation.

Literature cited by the submitters: PubMed 8988179 (cited by All of Us Research Program, National Institutes of Health); PubMed 11897832 (cited by All of Us Research Program, National Institutes of Health); PubMed 29446198 (cited by All of Us Research Program, National Institutes of Health).

NM_000059.4(BRCA2):c.3415_3420delinsG (p.Lys1139fs)

Gene: BRCA2 (BRCA2 DNA repair associated; plus strand). Cytogenetic location: 13q13.1.
Variant type: Indel.
Coding change: c.3415_3420delinsG on transcript NM_000059.4 (MANE Select); coding-DNA positions 3415 to 3420, AAGAGT replaced by G.
Protein change: p.Lys1139fs; shifts the reading frame from lysine 1139.
Molecular consequence: frameshift variant.
Genome position (GRCh38, 1-based): chr13:32,337,770-32,337,775, AAGAGT replaced by G. VCF-style: chr13-32337770-AAGAGT-G. GRCh37 (hg19) VCF-style: chr13-32911907-AAGAGT-G.
Other names: short protein forms K1139fs.
Identifiers: ClinVar variation 823745 (VCV000823745.5), dbSNP rs1593899478, ClinGen allele CA915948451.